The following is an entry in ClinVar:

ClinVar aggregate classification (germline): Uncertain significance. Review status: criteria provided, multiple submitters, no conflicts (2 of 4 stars). 7 submissions from 7 submitters: Uncertain significance (7). Last evaluated 2026-04-25.

Conditions:
Saldino-Mainzer syndrome (SRTD9). Also called: short-rib thoracic dysplasia 9 with or without polydactyly; Renal dysplasia, retinal pigmentary dystrophy, cerebellar ataxia and skeletal dysplasia; CONORENAL SYNDROME; SHORT-RIB THORACIC DYSPLASIA 9 WITHOUT POLYDACTYLY. Identifiers: Orphanet 140969, MedGen C1849437, MONDO:0009964, OMIM 266920.
IFT140-related disorder. Also called: IFT140-related condition.
Retinitis pigmentosa 80 (RP80). Identifiers: MedGen C4540439, MONDO:0054708, OMIM 617781.
Inborn genetic diseases. Identifiers: MedGen C0950123, MeSH D030342.

Allele frequency attached by ClinVar (database versions not stated): ExAC 0.00006; gnomAD 0.00011; TOPMed 0.00017.
gnomAD v4.1: 339 of 1,613,944 alleles (0.021%); highest among the groups gnomAD compares: Non-Finnish European, 0.027%; no homozygotes.

Submissions (7):

PreventionGenetics, part of Exact Sciences
Classification: Uncertain significance for IFT140-related condition. Last evaluated: 2026-04-25. Review status: criteria provided, single submitter. Criteria: ACMG Guidelines, 2015. Collection method: clinical testing. Allele origin: germline.
Comment: The IFT140 c.3668G>C variant is predicted to result in the amino acid substitution p.Arg1223Thr. To our knowledge, this variant has not been reported in the literature. This variant is reported in 0.016% of alleles in individuals of European (Non-Finnish) descent in gnomAD. At this time, the clinical significance of this variant is uncertain due to the absence of conclusive functional and genetic evidence.

Blueprint Genetics
Classification: Uncertain significance. Last evaluated: 2024-09-20. Review status: criteria provided, single submitter. Criteria: ACMG Guidelines, 2015. Collection method: clinical testing. Allele origin: germline.

GeneDx
Classification: Uncertain significance. Last evaluated: 2024-07-09. Review status: criteria provided, single submitter. Criteria: GeneDx Variant Classification Process June 2021. Collection method: clinical testing. Allele origin: germline. Affected: yes.
Comment: In silico analysis supports that this missense variant has a deleterious effect on protein structure/function; Has not been previously published as pathogenic or benign to our knowledge

Fulgent Genetics
Classification: Uncertain significance for Saldino-Mainzer syndrome; Retinitis pigmentosa 80. Last evaluated: 2024-06-19. Review status: criteria provided, single submitter. Criteria: ACMG Guidelines, 2015. Collection method: clinical testing. Allele origin: germline.

Ambry Genetics
Classification: Uncertain significance for Inborn genetic diseases. Last evaluated: 2023-07-20. Review status: criteria provided, single submitter. Criteria: Ambry Variant Classification Scheme 2023. Collection method: clinical testing. Allele origin: germline.

Labcorp Genetics (formerly Invitae), Labcorp
Classification: Uncertain significance for Saldino-Mainzer syndrome. Last evaluated: 2022-05-27. Review status: criteria provided, single submitter. Criteria: Invitae Variant Classification Sherloc (09022015). Collection method: clinical testing. Allele origin: germline.
Comment: This sequence change replaces arginine, which is basic and polar, with threonine, which is neutral and polar, at codon 1223 of the IFT140 protein (p.Arg1223Thr). This variant is present in population databases (rs751861503, gnomAD 0.02%). This variant has not been reported in the literature in individuals affected with IFT140-related conditions. ClinVar contains an entry for this variant (Variation ID: 843963). Algorithms developed to predict the effect of missense changes on protein structure and function are either unavailable or do not agree on the potential impact of this missense change (SIFT: "Deleterious"; PolyPhen-2: "Possibly Damaging"; Align-GVGD: "Class C0"). In summary, the available evidence is currently insufficient to determine the role of this variant in disease. Therefore, it has been classified as a Variant of Uncertain Significance.

Illumina Laboratory Services, Illumina
Classification: Uncertain significance for Saldino-Mainzer syndrome. Last evaluated: 2018-01-12. Review status: criteria provided, single submitter. Criteria: ICSL Variant Classification Criteria 13 December 2019. Collection method: clinical testing. Allele origin: germline.

NM_014714.4(IFT140):c.3668G>C (p.Arg1223Thr)

Gene: IFT140 (intraflagellar transport 140; minus strand). Cytogenetic location: 16p13.3.
Variant type: single nucleotide variant.
Coding change: c.3668G>C on transcript NM_014714.4 (MANE Select); coding-DNA position 3668, G replaced by C.
Protein change: p.Arg1223Thr; replaces arginine 1223 with threonine.
Molecular consequence: missense variant.
Genome position (GRCh38, 1-based): chr16:1,520,336, C>G on the plus strand (G>C on the coding strand, the complement: IFT140 is on the minus strand). VCF-style: chr16-1520336-C-G. GRCh37 (hg19) VCF-style: chr16-1570337-C-G.
Other names: short protein forms R1223T.
Identifiers: ClinVar variation 843963 (VCV000843963.15), dbSNP rs751861503, ClinGen allele CA7813067.